The following is an entry in ClinVar:

NM_007294.4(BRCA1):c.2312T>A (p.Leu771Ter)

Gene: BRCA1 (BRCA1 DNA repair associated; minus strand). Cytogenetic location: 17q21.31.
Variant type: single nucleotide variant.
Coding change: c.2312T>A on transcript NM_007294.4 (MANE Select); coding-DNA position 2312, T replaced by A.
Protein change: p.Leu771Ter; replaces leucine 771 with a stop codon.
Molecular consequence: nonsense. On other transcripts: intron variant (137).
Genome position (GRCh38, 1-based): chr17:43,093,219, A>T on the plus strand (T>A on the coding strand, the complement: BRCA1 is on the minus strand). VCF-style: chr17-43093219-A-T. GRCh37 (hg19) VCF-style: chr17-41245236-A-T.
Other names: c.2099T>A, p.Leu700Ter (NM_001407571.1, NM_001407853.1, NM_001407894.1 and 9 more transcripts); c.2312T>A, p.Leu771Ter (NM_001407581.1, NM_001407582.1, NM_001407583.1 and 30 more transcripts); c.2309T>A, p.Leu770Ter (NM_001407587.1, NM_001407590.1, NM_001407591.1 and 22 more transcripts); c.2303T>A, p.Leu768Ter (NM_001407646.1, NM_001407647.1); c.2189T>A, p.Leu730Ter (NM_001407648.1, NM_001407664.1, NM_001407665.1 and 19 more transcripts); c.2186T>A, p.Leu729Ter (NM_001407649.1, NM_001407670.1, NM_001407671.1 and 11 more transcripts); c.2234T>A, p.Leu745Ter (NM_001407653.1, NM_001407654.1, NM_001407655.1 and 4 more transcripts); c.2231T>A, p.Leu744Ter (NM_001407659.1, NM_001407660.1, NM_001407661.1 and 1 more transcripts); and 41 more; short protein forms L603*, L659*, L682*, L701*, L703*, L704*, L744*, L770*.
Identifiers: ClinVar variation 2826597 (VCV002826597.4), dbSNP rs730881481, ClinGen allele CA10597379.

ClinVar aggregate classification (germline): Pathogenic. Review status: criteria provided, multiple submitters, no conflicts (2 of 4 stars). 2 submissions from 2 submitters: Pathogenic (2). Last evaluated 2024-10-29.

Conditions:
Hereditary breast ovarian cancer syndrome. Also called: Hereditary breast and/or ovarian cancer syndrome; Hereditary breast and ovarian cancer; Hereditary breast and ovarian cancer syndrome; Breast and ovarian cancer; Hereditary breast and ovarian cancer syndrome (HBOC); BRCA1- and BRCA2-Associated Hereditary Breast and Ovarian Cancer. Identifiers: Orphanet 145, MedGen C0677776, MeSH D061325, MONDO:0003582. Disease mechanism: loss of function.

Submissions (2):

Women's Health and Genetics/Laboratory Corporation of America, LabCorp
Classification: Pathogenic for Hereditary breast ovarian cancer syndrome. Last evaluated: 2024-10-29. Review status: criteria provided, single submitter. Criteria: LabCorp Variant Classification Summary - May 2015. Collection method: clinical testing. Allele origin: germline.
Comment: Variant summary: BRCA1 c.2312T>A (p.Leu771X) results in a premature termination codon, predicted to cause a truncation of the encoded protein or absence of the protein due to nonsense mediated decay, which are commonly known mechanisms for disease. The variant was absent in 251042 control chromosomes (gnomAD). c.2312T>A has been reported in the literature in at least an individual affected with BRCA1-related conditions (example: Katagiri_1996). To our knowledge, no experimental evidence demonstrating an impact on protein function has been reported. The following publication has been ascertained in the context of this evaluation (PMID: 8723683). ClinVar contains an entry for this variant (Variation ID: 2826597). Based on the evidence outlined above, the variant was classified as pathogenic.

Labcorp Genetics (formerly Invitae), Labcorp
Classification: Pathogenic for Hereditary breast ovarian cancer syndrome. Last evaluated: 2023-01-06. Review status: criteria provided, single submitter. Criteria: Invitae Variant Classification Sherloc (09022015). Collection method: clinical testing. Allele origin: germline.
Comment: For these reasons, this variant has been classified as Pathogenic. This variant has not been reported in the literature in individuals affected with BRCA1-related conditions. This variant is not present in population databases (gnomAD no frequency). This sequence change creates a premature translational stop signal (p.Leu771*) in the BRCA1 gene. It is expected to result in an absent or disrupted protein product. Loss-of-function variants in BRCA1 are known to be pathogenic (PMID: 20104584).

Literature cited by the submitters: PubMed 8723683 (cited by Women's Health and Genetics/Laboratory Corporation of America, LabCorp); PubMed 20104584 (cited by Labcorp Genetics (formerly Invitae), Labcorp).